The following is an entry in ClinVar:

NM_019885.4(CYP26B1):c.504A>G (p.Thr168=)

Gene: CYP26B1 (cytochrome P450 family 26 subfamily B member 1; minus strand). Cytogenetic location: 2p13.2.
Variant type: single nucleotide variant.
Coding change: c.504A>G on transcript NM_019885.4 (MANE Select); coding-DNA position 504, A replaced by G.
Protein change: p.Thr168=; no amino-acid change (threonine 168 retained).
Molecular consequence: synonymous variant.
Genome position (GRCh38, 1-based): chr2:72,135,345, T>C on the plus strand (A>G on the coding strand, the complement: CYP26B1 is on the minus strand). VCF-style: chr2-72135345-T-C. GRCh37 (hg19) VCF-style: chr2-72362474-T-C.
Other names: c.279A>G, p.Thr93= (NM_001277742.2).
Identifiers: ClinVar variation 733019 (VCV000733019.22), dbSNP rs775519717, ClinGen allele CA1708032.
Genomic context (GRCh38, chr2:72,135,345, plus strand): 5'-CAGCTTCTGCGCCTCCTGGTACACGTTGATGGCCTCGGGGTGGCTGCTCCAGGCGCGCAG[T>C]GTGTCCTGGATCACCAGCTGGATCTTGGGCAGGTAACTCTCCAGGGCCTCGTGGCTGAAG-3'
Protein context (NP_063938.1, residues 158-178): LPKIQLVIQD[Thr168=]LRAWSSHPEA

ClinVar aggregate classification (germline): Benign/Likely benign. Review status: criteria provided, multiple submitters, no conflicts (2 of 4 stars). 2 submissions from 2 submitters: Benign (1); Likely benign (1). Last evaluated 2025-11-24.

Allele frequency attached by ClinVar (database versions not stated): gnomAD exomes 0.00014; gnomAD 0.00037 and 0.00039; ExAC 0.00042; TOPMed 0.00043.

Submissions (2):

Labcorp Genetics (formerly Invitae), Labcorp
Classification: Benign. Last evaluated: 2025-11-24. Review status: criteria provided, single submitter. Criteria: Invitae Variant Classification Sherloc (09022015). Collection method: clinical testing. Allele origin: germline.

CeGaT Center for Human Genetics Tuebingen
Classification: Likely benign. Last evaluated: 2025-02-01. Review status: criteria provided, single submitter. Criteria: CeGaT Center For Human Genetics Tuebingen Variant Classification Criteria Version 2. Collection method: clinical testing. Allele origin: germline. Affected: yes. Observed: 1 variant allele.
Comment: CYP26B1: BP4, BP7